The following is an entry in ClinVar:

ClinVar aggregate classification (germline): Uncertain significance (1 of 4 stars; one submission).

Conditions:
Distal myopathy with posterior leg and anterior hand involvement. Also called: WILLIAMS DISTAL MYOPATHY. Identifiers: Orphanet 63273, MedGen C3279722, MONDO:0013550, OMIM 614065.
Dilated Cardiomyopathy, Dominant.
Myofibrillar myopathy 5. Also called: Filaminopathy (type); FILAMINOPATHY, AUTOSOMAL DOMINANT. Identifiers: Orphanet 171445, MedGen C1836050, MONDO:0012289, OMIM 609524.
Hypertrophic cardiomyopathy 26. Also called: Cardiomyopathy, familial hypertrophic, 26. Identifiers: Orphanet 75249, MedGen C4310749, MONDO:0014883, OMIM 617047.

Allele frequency attached by ClinVar (database versions not stated): gnomAD exomes below 0.00001 and 0.00001; ExAC 0.00002.
gnomAD v4.1: 1 of 1,602,596 alleles (0.000062%); highest among the groups gnomAD compares: East Asian, 0.0023%; no homozygotes.

Submission:

Labcorp Genetics (formerly Invitae), Labcorp
Classification: Uncertain significance for Distal myopathy with posterior leg and anterior hand involvement; Myofibrillar myopathy 5; Hypertrophic cardiomyopathy 26. Last evaluated: 2021-08-27. Review status: criteria provided, single submitter. Criteria: Invitae Variant Classification Sherloc (09022015). Collection method: clinical testing. Allele origin: germline.
Comment: This sequence change replaces serine with glycine at codon 1527 of the FLNC protein (p.Ser1527Gly). The serine residue is highly conserved and there is a small physicochemical difference between serine and glycine. The frequency data for this variant in the population databases is considered unreliable, as metrics indicate poor data quality at this position in the ExAC database. This variant has not been reported in the literature in individuals affected with FLNC-related conditions. Algorithms developed to predict the effect of missense changes on protein structure and function are either unavailable or do not agree on the potential impact of this missense change (SIFT: "Tolerated"; PolyPhen-2: "Possibly Damaging"; Align-GVGD: "Class C0"). Algorithms developed to predict the effect of sequence changes on RNA splicing suggest that this variant may disrupt the consensus splice site. In summary, the available evidence is currently insufficient to determine the role of this variant in disease. Therefore, it has been classified as a Variant of Uncertain Significance.

NM_001458.5(FLNC):c.4579A>G (p.Ser1527Gly)

Gene: FLNC (filamin C; plus strand). Cytogenetic location: 7q32.1.
Variant type: single nucleotide variant.
Coding change: c.4579A>G on transcript NM_001458.5 (MANE Select); coding-DNA position 4579, A replaced by G.
Protein change: p.Ser1527Gly; replaces serine 1527 with glycine.
Molecular consequence: missense variant.
Genome position (GRCh38, 1-based): chr7:128,848,067, A>G. VCF-style: chr7-128848067-A-G. GRCh37 (hg19) VCF-style: chr7-128488121-A-G.
Other names: c.4579A>G, p.Ser1527Gly (NM_001127487.2); short protein forms S1527G.
Identifiers: ClinVar variation 472070 (VCV000472070.6), dbSNP rs747642919, ClinGen allele CA4475381.